The following is an entry in ClinVar:

ClinVar aggregate classification (germline): Uncertain significance (1 of 4 stars; one submission).

Submission:

Labcorp Genetics (formerly Invitae), Labcorp
Classification: Uncertain significance. Last evaluated: 2025-03-25. Review status: criteria provided, single submitter. Criteria: Invitae Variant Classification Sherloc (09022015). Collection method: clinical testing. Allele origin: germline.
Comment: This sequence change replaces leucine, which is neutral and non-polar, with proline, which is neutral and non-polar, at codon 322 of the IMPG1 protein (p.Leu322Pro). This variant is present in population databases (rs766437321, gnomAD 0.003%). This variant has not been reported in the literature in individuals affected with IMPG1-related conditions. An algorithm developed to predict the effect of missense changes on protein structure and function outputs the following: PolyPhen-2: "Benign". The proline amino acid residue is found in multiple mammalian species, which suggests that this missense change does not adversely affect protein function. In summary, the available evidence is currently insufficient to determine the role of this variant in disease. Therefore, it has been classified as a Variant of Uncertain Significance.

NM_001563.4(IMPG1):c.965T>C (p.Leu322Pro)

Gene: IMPG1 (interphotoreceptor matrix proteoglycan 1; minus strand). Cytogenetic location: 6q14.1.
Variant type: single nucleotide variant.
Coding change: c.965T>C on transcript NM_001563.4 (MANE Select); coding-DNA position 965, T replaced by C.
Protein change: p.Leu322Pro; replaces leucine 322 with proline.
Molecular consequence: missense variant.
Genome position (GRCh38, 1-based): chr6:76,005,457, A>G on the plus strand (T>C on the coding strand, the complement: IMPG1 is on the minus strand). VCF-style: chr6-76005457-A-G. GRCh37 (hg19) VCF-style: chr6-76715174-A-G.
Other names: c.731T>C, p.Leu244Pro (NM_001282368.2); short protein forms L322P, L244P.
Identifiers: ClinVar variation 4774709 (VCV004774709.1).